The following continues an entry in ClinVar:

NM_000492.4(CFTR):c.509G>A (p.Arg170His)

Gene: CFTR. ClinVar aggregate classification (germline): Conflicting classifications of pathogenicity. Pathogenic (2); Likely pathogenic (1); Uncertain significance (16); Likely benign (3).

Submissions 14 to 26 of 26:

Molecular Genetics, Royal Melbourne Hospital
Classification: Uncertain significance for Chronic pancreatitis. Last evaluated: 2023-03-30. Review status: criteria provided, single submitter. Criteria: ACMG Guidelines, 2015. Collection method: clinical testing. Allele origin: germline. Affected: yes.
Comment: This sequence change in CFTR is predicted to replace arginine with histidine at codon 170, p.(Arg170His). The arginine residue is highly conserved (92/95 vertebrates, UCSC), and is located in exon 5 within the ABC transporter transmembrane region. There is a small physicochemical difference between arginine and histidine. The highest population minor allele frequency in the population database gnomAD v2.1 is 0.03% (42/128,708 alleles) in the European (non-Finnish) population, which is consistent with autosomal recessive cystic fibrosis (CF), but higher than expected for autosomal dominant hereditary pancreatitis. This variant has been observed in nine compound heterozygous children along with a known pathogenic CFTR variant who were detected by newborn screening, with no objective features of cystic fibrosis as defined by pancreatic insufficiency, positive chloride sweat test or lung pseudomonas colonisation (PMID: 27214204). However, this variant has been reported in at least sixteen heterozygous probands (both heterozygotes and compound heterozygotes with a known pathogenic CFTR variant- phase unknown in all but two individuals of the latter group where it is in trans) meeting the criteria for a CFTR-related disorder other than cystic fibrosis, including recurrent acute pancreatitis, chronic pancreatitis or congenital bilateral absence of vas deferens (CBAVD; PMID: 16193325, 17329263, 16189704, 16617247; CFTR France variant database). The CFTR2 variant database records eleven alleles with this variant amongst 89,052 individuals, with 33% of compound heterozygote individuals with this variant and a known pathogenic CFTR variant recorded as having pancreatic insufficiency. The prevalence of the variant in affected individuals with chronic pancreatitis is significantly increased compared with the prevalence in gnomAD controls (OR = 2.6798, 95% CI 1.0594 - 6.7784), using the aggregated case figures from a meta-analysis of six studies with this variant (PMID: 36264955). This variant has been observed with the pathogenic variant (c.3846G>A, p.Trp1282Ter; ClinVar: VCV000007129.90) in an individual diagnosed with CF on a positive chloride sweat test, although the patient had relatively normal pulmonary function and performance status compared to other cystic fibrosis patients in this cohort (PMID: 33577586). The phase of the variants is unknown. Other reports exist of this variant detected in at least five individuals diagnosed with CF; however, it is unclear in these cases whether different variants may be responsible (e.g. PMID: 32143663, 21388895, 17662673), and/or the phenotype information is missing or incomplete (e.g. PMID: 27728908, 23276700). Western blot and patch clamp in vitro experiments using HEK 293T cells transfected with variant protein demonstrated normal protein expression and glycosylation along with chloride permeability, but reduced bicarbonate permeability/conductance in the presence of WNK1/SPAK, which models the bicarbonate-dependent pathophysiology of CFTR variants in the pancreas, sinuses and male reproductive tract (PMID: 25033378). This, along with other data showing normal chloride conductance in human epithelial cell lines expressing mutant protein constructs (PMID: 29805046) indicates that the impact of the variant on protein function is limited to bicarbonate conductance in specific organs (including the pancreas, but excluding the lungs). Multiple lines of computational evidence predict a deleterious effect for the missense substitution (5/6 algorithms). Based on the classification scheme RMH Modified ACMG Guidelines v1.5.1, this variant is classified as a VARIANT OF UNCERTAIN SIGNIFICANCE (VUS). Following criteria are met: PP3, PS3_Supporting, PS4_Supporting.

CeGaT Center for Human Genetics Tuebingen
Classification: Uncertain significance. Last evaluated: 2022-06-01. Review status: criteria provided, single submitter. Criteria: CeGaT Center For Human Genetics Tuebingen Variant Classification Criteria Version 2. Collection method: clinical testing. Allele origin: germline. Affected: yes. Observed: 1 variant allele.

Sema4
Classification: Uncertain significance for Hereditary pancreatitis. Last evaluated: 2021-12-08. Review status: criteria provided, single submitter. Criteria: Sema4 Curation Guidelines. Collection method: curation. Allele origin: germline.
Comment: The CFTR c.509G>A (p.R170H) variant has been reported as heterozygous state or presumed compound heterozygous in individuals with pancreatitis (PMID: 16189704, 21520337, 25033378, 27171515). One functional study showed the variant had normal chloride but no bicarbonate permeability and conductance with WNK1-SPAK activation (PMID:25033378). While another study showed the variant had a similar function as wild-type CFTR (PMID: 29805046). Additionally, a minigene assay showed the variant to result in partial exon 5 skipping (PMID: 23420618). This variant was observed in 75/10358 chromosomes in the Ashkenazi Jewish population, with 0 no homozygotes, according to the Genome Aggregation Database (PMID: 27535533). The variant has been reported in ClinVar (Variation ID 53983). The overall evidence is conflicting and inconsistent with ACMG/AMP requirements for a classification of benign or pathogenic. In summary, the clinical significance of this variant is currently uncertain.

Genome-Nilou Lab
Classification: Uncertain significance for Cystic fibrosis. Last evaluated: 2021-07-22. Review status: criteria provided, single submitter. Criteria: ACMG Guidelines, 2015. Collection method: clinical testing. Allele origin: germline. Affected: no.

Genome Diagnostics Laboratory, The Hospital for Sick Children
Classification: Uncertain significance for Cystic fibrosis. Last evaluated: 2020-10-22. Review status: criteria provided, single submitter. Criteria: ACMG Guidelines, 2015. Collection method: clinical testing. Allele origin: germline.

Johns Hopkins Genomics, Johns Hopkins University
Classification: Likely benign for Cystic fibrosis. Last evaluated: 2020-03-09. Review status: criteria provided, single submitter. Criteria: ACMG Guidelines, 2015. Collection method: clinical testing. Allele origin: germline.

Genetics and Molecular Pathology, SA Pathology
Classification: Uncertain significance for Cystic fibrosis. Last evaluated: 2020-02-18. Review status: criteria provided, single submitter. Criteria: ACMG Guidelines, 2015. Collection method: clinical testing. Allele origin: germline. Inheritance: Autosomal recessive inheritance. Affected: yes.

CFTR-France
Classification: Pathogenic for CFTR-related disorders. Last evaluated: 2018-01-29. Review status: criteria provided, single submitter. Criteria: Claustres M et al. (Hum Mutat 2017). Collection method: curation. Allele origin: germline. Affected: yes.

Eurofins Ntd Llc (ga)
Classification: Uncertain significance. Last evaluated: 2016-10-19. Review status: criteria provided, single submitter. Criteria: EGL Classification Definitions 2015. Collection method: clinical testing. Allele origin: germline. Observed: 7 variant alleles, 7 heterozygotes.

Genome Diagnostics Laboratory, The Hospital for Sick Children
Classification: Uncertain significance for CFTR-related disorders. Last evaluated: 2020-10-22. Review status: no assertion criteria provided. Collection method: clinical testing. Allele origin: germline. Not counted in ClinVar's aggregate classification.

Natera, Inc.
Classification: Uncertain significance for Cystic Fibrosis. Last evaluated: 2020-09-16. Review status: no assertion criteria provided. Collection method: clinical testing. Allele origin: germline. Not counted in ClinVar's aggregate classification.

Molecular Genetics Laboratory, BC Children's and BC Women's Hospitals
Classification: Likely pathogenic for CFTR-related disorder. Last evaluated: 2019-11-28. Review status: no assertion criteria provided. Criteria: ACMG Guidelines, 2015. Collection method: clinical testing. Allele origin: germline. Affected: yes. Not counted in ClinVar's aggregate classification.

Counsyl
Classification: Uncertain significance for Cystic fibrosis. Last evaluated: 2017-07-18. Review status: no assertion criteria provided. Collection method: clinical testing. Allele origin: unknown. Not counted in ClinVar's aggregate classification.

Literature cited by the submitters: PubMed 18716917 (cited by Women's Health and Genetics/Laboratory Corporation of America, LabCorp and Quest Diagnostics Nichols Institute San Juan Capistrano); PubMed 17329263 (cited by 4 submitters); PubMed 20059485 (cited by Women's Health and Genetics/Laboratory Corporation of America, LabCorp and Quest Diagnostics Nichols Institute San Juan Capistrano); PubMed 16189704 (cited by 5 submitters); PubMed 10746558 (cited by Women's Health and Genetics/Laboratory Corporation of America, LabCorp); PubMed 15536480 (cited by Women's Health and Genetics/Laboratory Corporation of America, LabCorp); PubMed 20021716 (cited by Women's Health and Genetics/Laboratory Corporation of America, LabCorp and Quest Diagnostics Nichols Institute San Juan Capistrano); PubMed 16251901 (cited by Women's Health and Genetics/Laboratory Corporation of America, LabCorp); PubMed 21520337 (cited by 5 submitters); PubMed 17662673 (cited by 4 submitters); PubMed 16244288 (cited by Women's Health and Genetics/Laboratory Corporation of America, LabCorp); PubMed 16193325 (cited by Women's Health and Genetics/Laboratory Corporation of America, LabCorp and Molecular Genetics, Royal Melbourne Hospital); PubMed 17448246 (cited by Women's Health and Genetics/Laboratory Corporation of America, LabCorp and Ambry Genetics); PubMed 23276700 (cited by 5 submitters); PubMed 21388895 (cited by 4 submitters); PubMed 18685558 (cited by Women's Health and Genetics/Laboratory Corporation of America, LabCorp); PubMed 23420618 (cited by 6 submitters); PubMed 27214204 (cited by 6 submitters); PubMed 29805046 (cited by 6 submitters); PubMed 25033378 (cited by 9 submitters); PubMed 29589582 (cited by Women's Health and Genetics/Laboratory Corporation of America, LabCorp and Quest Diagnostics Nichols Institute San Juan Capistrano); PubMed 16617247 (cited by 3 submitters); PubMed 32143663 (cited by 3 submitters); PubMed 33922413 (cited by Women's Health and Genetics/Laboratory Corporation of America, LabCorp and Quest Diagnostics Nichols Institute San Juan Capistrano); PubMed 33577586 (cited by 3 submitters); PubMed 33341408 (cited by Women's Health and Genetics/Laboratory Corporation of America, LabCorp); PubMed 32387800 (cited by Women's Health and Genetics/Laboratory Corporation of America, LabCorp); PubMed 38388235 (cited by 3 submitters); PubMed 34583889 (cited by Mayo Clinic Laboratories, Mayo Clinic); PubMed 34798985 (cited by Mayo Clinic Laboratories, Mayo Clinic); PubMed 35527187 (cited by Mayo Clinic Laboratories, Mayo Clinic); PubMed 35652053 (cited by Mayo Clinic Laboratories, Mayo Clinic); PubMed 35753512 (cited by Mayo Clinic Laboratories, Mayo Clinic and Quest Diagnostics Nichols Institute San Juan Capistrano); PubMed 35913788 (cited by Mayo Clinic Laboratories, Mayo Clinic); PubMed 36264955 (cited by 3 submitters); PubMed 36409994 (cited by Mayo Clinic Laboratories, Mayo Clinic); PubMed 38324470 (cited by Mayo Clinic Laboratories, Mayo Clinic); PubMed 38508949 (cited by Mayo Clinic Laboratories, Mayo Clinic); PubMed 38927485 (cited by Mayo Clinic Laboratories, Mayo Clinic); PubMed 39233118 (cited by Mayo Clinic Laboratories, Mayo Clinic); PubMed 27728908 (cited by 3 submitters); PubMed 27171515 (cited by Quest Diagnostics Nichols Institute San Juan Capistrano and Sema4); PubMed 26708955 (cited by Counsyl).